The following is an entry in ClinVar:

ClinVar aggregate classification (germline): Likely pathogenic (1 of 4 stars; one submission).

Submission:

CeGaT Center for Human Genetics Tuebingen
Classification: Likely pathogenic. Last evaluated: 2024-03-01. Review status: criteria provided, single submitter. Criteria: CeGaT Center For Human Genetics Tuebingen Variant Classification Criteria Version 2. Collection method: clinical testing. Allele origin: germline. Affected: yes. Observed: 1 variant allele.
Comment: ZFPM2: PVS1:Strong, PM2, PS2:Moderate

NM_012082.4(ZFPM2):c.1480_1493del (p.Val494fs)

Genes: ZFPM2 (zinc finger protein, FOG family member 2; plus strand), ZFPM2-AS1 (ZFPM2 antisense RNA 1; minus strand). Cytogenetic location: 8q23.1.
Variant type: Deletion.
Coding change: c.1480_1493del on transcript NM_012082.4 (MANE Select); coding-DNA positions 1480 to 1493, 14 bases deleted (GTGGGCCCTTTCCT).
Protein change: p.Val494fs; shifts the reading frame from valine 494.
Molecular consequence: frameshift variant.
Genome position (GRCh38, 1-based): chr8:105,801,562-105,801,575, GTGGGCCCTTTCCT deleted; deleting any 14 consecutive bases within chr8:105,801,559-105,801,575 gives the same sequence; the c. name uses the placement nearest the transcript's 3' end. VCF-style (leftmost placement, unchanged base first): chr8-105801558-CCCTGTGGGCCCTTT-C. GRCh37 (hg19) VCF-style: chr8-106813786-CCCTGTGGGCCCTTT-C.
Other names: c.1321_1334del, p.Val441fs (NM_001362836.2); c.1084_1097del, p.Val362fs (NM_001362837.2); short protein forms V362fs, V441fs, V494fs.
Identifiers: ClinVar variation 3067633 (VCV003067633.21), dbSNP rs2488152784, ClinGen allele CA2825001577.